The following is an entry in ClinVar:

NM_000202.8(IDS):c.877C>T (p.Gln293Ter)

Genes: IDS (iduronate 2-sulfatase; minus strand), LOC106050102 (IDS recombination region; plus strand). Cytogenetic location: Xq28.
Variant type: single nucleotide variant.
Coding change: c.877C>T on transcript NM_000202.8 (MANE Select); coding-DNA position 877, C replaced by T.
Protein change: p.Gln293Ter; replaces glutamine 293 with a stop codon.
Molecular consequence: nonsense. On other transcripts: non-coding transcript variant (1).
Genome position (GRCh38, 1-based): chrX:149,496,348, G>A on the plus strand (C>T on the coding strand, the complement: IDS is on the minus strand). VCF-style: chrX-149496348-G-A. GRCh37 (hg19) VCF-style: chrX-148577879-G-A.
Other names: c.607C>T, p.Gln203Ter (NM_001166550.4); c.877C>T, p.Gln293Ter (NM_006123.5); short protein forms Q203*, Q293*.
Identifiers: ClinVar variation 2440830 (VCV002440830.5), dbSNP rs2124041126, ClinGen allele CA414521722.

ClinVar aggregate classification (germline): Pathogenic/Likely pathogenic. Review status: criteria provided, multiple submitters, no conflicts (2 of 4 stars). 2 submissions from 2 submitters: Pathogenic (1); Likely pathogenic (1). Last evaluated 2024-06-07.

Conditions:
Mucopolysaccharidosis, MPS-II (MPS2). Also called: Hunter Syndrome; IDURONATE 2-SULFATASE DEFICIENCY; Mucopolysaccharidosis Type II; Mucopolysaccharidosis with skin involvement; IDS deficiency; Sulfoiduronate sulfatase deficiency. Identifiers: Orphanet 580, Orphanet 79388, MedGen C0026705, MONDO:0010674, OMIM 309900.

Submissions (2):

Laboratory of Diagnosis and Therapy of Lysosomal Disorders, University of Padova
Classification: Pathogenic for Mucopolysaccharidosis, MPS-II. Last evaluated: 2024-06-07. Review status: criteria provided, single submitter. Criteria: ACMG Guidelines, 2015. Collection method: literature only. Allele origin: germline. Affected: yes. Observed: 1 variant allele.
Comment: Null variant (PVS1_VeryStrong), Absent from controls (or at low frequency) in gnomAD database (PM2_Moderate), Patient’s phenotype or family history highly specific for the disease (PP4_Strong)

Classification method: ACMG Guidelines [PMID:25741868] with modifications

Revvity Omics, Revvity
Classification: Likely pathogenic for Mucopolysaccharidosis, MPS-II. Last evaluated: 2022-09-23. Review status: criteria provided, single submitter. Criteria: ACMG Guidelines, 2015. Collection method: clinical testing. Allele origin: germline.

Literature cited by the submitters: PubMed 9266380 (cited by Laboratory of Diagnosis and Therapy of Lysosomal Disorders, University of Padova).